The following is an entry in ClinVar:

NM_144631.6(ZNF513):c.927G>C (p.Glu309Asp)

Gene: ZNF513 (zinc finger protein 513; minus strand). Cytogenetic location: 2p23.3.
Variant type: single nucleotide variant.
Coding change: c.927G>C on transcript NM_144631.6 (MANE Select); coding-DNA position 927, G replaced by C.
Protein change: p.Glu309Asp; replaces glutamic acid 309 with aspartic acid.
Molecular consequence: missense variant.
Genome position (GRCh38, 1-based): chr2:27,378,244, C>G on the plus strand (G>C on the coding strand, the complement: ZNF513 is on the minus strand). VCF-style: chr2-27378244-C-G. GRCh37 (hg19) VCF-style: chr2-27601111-C-G.
Other names: c.741G>C, p.Glu247Asp (NM_001201459.2); short protein forms E247D, E309D.
Identifiers: ClinVar variation 943242 (VCV000943242.12), dbSNP rs570663121, ClinGen allele CA1577898.

ClinVar aggregate classification (germline): Uncertain significance. Review status: criteria provided, multiple submitters, no conflicts (2 of 4 stars). 3 submissions from 3 submitters: Uncertain significance (3). Last evaluated 2026-01-13.

Allele frequency attached by ClinVar (database versions not stated): 1000 Genomes Project 30x 0.00047; 1000 Genomes Project 0.00060.

Submissions (3):

Labcorp Genetics (formerly Invitae), Labcorp
Classification: Uncertain significance. Last evaluated: 2026-01-13. Review status: criteria provided, single submitter. Criteria: Invitae Variant Classification Sherloc (09022015). Collection method: clinical testing. Allele origin: germline.
Comment: This sequence change replaces glutamic acid, which is acidic and polar, with aspartic acid, which is acidic and polar, at codon 309 of the ZNF513 protein (p.Glu309Asp). This variant is present in population databases (rs570663121, gnomAD 0.1%), and has an allele count higher than expected for a pathogenic variant. This variant has not been reported in the literature in individuals affected with ZNF513-related conditions. ClinVar contains an entry for this variant (Variation ID: 943242). An algorithm developed to predict the effect of missense changes on protein structure and function (PolyPhen-2) suggests that this variant is likely to be tolerated. In summary, the available evidence is currently insufficient to determine the role of this variant in disease. Therefore, it has been classified as a Variant of Uncertain Significance.

Ambry Genetics
Classification: Uncertain significance. Last evaluated: 2025-08-09. Review status: criteria provided, single submitter. Criteria: Ambry Variant Classification Scheme 2023. Collection method: clinical testing. Allele origin: germline.

Blueprint Genetics
Classification: Uncertain significance. Last evaluated: 2024-10-25. Review status: criteria provided, single submitter. Criteria: ACMG Guidelines, 2015. Collection method: clinical testing. Allele origin: germline.